The following is an entry in ClinVar:

ClinVar aggregate classification (germline): Uncertain significance (1 of 4 stars; one submission).

Conditions:
Charcot-Marie-Tooth disease, type I (CMT1). Also called: Charcot-Marie-Tooth disease type 1; Charcot-Marie-Tooth, Type 1. Identifiers: Orphanet 65753, MedGen C0751036, MONDO:0019011.

Submission:

Labcorp Genetics (formerly Invitae), Labcorp
Classification: Uncertain significance for Charcot-Marie-Tooth disease, type I. Last evaluated: 2024-06-17. Review status: criteria provided, single submitter. Criteria: Invitae Variant Classification Sherloc (09022015). Collection method: clinical testing. Allele origin: germline.
Comment: This sequence change replaces proline, which is neutral and non-polar, with alanine, which is neutral and non-polar, at codon 103 of the EGR2 protein (p.Pro103Ala). This variant is not present in population databases (gnomAD no frequency). This variant has not been reported in the literature in individuals affected with EGR2-related conditions. Advanced modeling of protein sequence and biophysical properties (such as structural, functional, and spatial information, amino acid conservation, physicochemical variation, residue mobility, and thermodynamic stability) performed at Invitae indicates that this missense variant is not expected to disrupt EGR2 protein function with a negative predictive value of 80%. In summary, the available evidence is currently insufficient to determine the role of this variant in disease. Therefore, it has been classified as a Variant of Uncertain Significance.

NM_000399.5(EGR2):c.307C>G (p.Pro103Ala)

Gene: EGR2 (early growth response 2; minus strand). Cytogenetic location: 10q21.3.
Variant type: single nucleotide variant.
Coding change: c.307C>G on transcript NM_000399.5 (MANE Select); coding-DNA position 307, C replaced by G.
Protein change: p.Pro103Ala; replaces proline 103 with alanine.
Molecular consequence: missense variant.
Genome position (GRCh38, 1-based): chr10:62,814,331, G>C on the plus strand (C>G on the coding strand, the complement: EGR2 is on the minus strand). VCF-style: chr10-62814331-G-C. GRCh37 (hg19) VCF-style: chr10-64574091-G-C.
Other names: c.307C>G, p.Pro103Ala (NM_001136177.3, NM_001136178.2); c.157C>G, p.Pro53Ala (NM_001136179.3, NM_001321037.2); c.346C>G, p.Pro116Ala (NM_001410931.1); short protein forms P53A, P103A, P116A.
Identifiers: ClinVar variation 3656811 (VCV003656811.2).